The following is an entry in ClinVar:

ClinVar aggregate classification (germline): Uncertain significance (1 of 4 stars; one submission).

Conditions:
Joubert syndrome 8 (JBTS8). Identifiers: Orphanet 475, MedGen C2676771, MONDO:0012855, OMIM 612291.

Allele frequency attached by ClinVar (database versions not stated): gnomAD exomes below 0.00001 and 0.00002; ExAC 0.00001; gnomAD 0.00002 and 0.00003; TOPMed 0.00003; 1000 Genomes Project 30x 0.00016; 1000 Genomes Project 0.00020.
gnomAD v4.1: 6 of 1,613,256 alleles (0.00037%); highest among the groups gnomAD compares: East Asian, 0.0045%; no homozygotes.

Submission:

Labcorp Genetics (formerly Invitae), Labcorp
Classification: Uncertain significance for Joubert syndrome 8. Last evaluated: 2025-03-31. Review status: criteria provided, single submitter. Criteria: Invitae Variant Classification Sherloc (09022015). Collection method: clinical testing. Allele origin: germline.
Comment: This sequence change replaces valine, which is neutral and non-polar, with methionine, which is neutral and non-polar, at codon 426 of the ARL13B protein (p.Val426Met). This variant is present in population databases (rs542576070, gnomAD 0.01%). This variant has not been reported in the literature in individuals affected with ARL13B-related conditions. ClinVar contains an entry for this variant (Variation ID: 1414891). An algorithm developed to predict the effect of missense changes on protein structure and function outputs the following: PolyPhen-2: "Benign". The methionine amino acid residue is found in multiple mammalian species, which suggests that this missense change does not adversely affect protein function. In summary, the available evidence is currently insufficient to determine the role of this variant in disease. Therefore, it has been classified as a Variant of Uncertain Significance.

NM_001174150.2(ARL13B):c.1276G>A (p.Val426Met)

Gene: ARL13B (ARF like GTPase 13B; plus strand). Cytogenetic location: 3q11.2.
Variant type: single nucleotide variant.
Coding change: c.1276G>A on transcript NM_001174150.2 (MANE Select); coding-DNA position 1276, G replaced by A.
Protein change: p.Val426Met; replaces valine 426 with methionine.
Molecular consequence: missense variant. On other transcripts: non-coding transcript variant (2).
Genome position (GRCh38, 1-based): chr3:94,053,252, G>A. VCF-style: chr3-94053252-G-A. GRCh37 (hg19) VCF-style: chr3-93772096-G-A.
Other names: c.967G>A, p.Val323Met (NM_001174151.2); c.1231G>A, p.Val411Met (NM_001321328.2); c.955G>A, p.Val319Met (NM_144996.4); c.1276G>A, p.Val426Met (NM_182896.3); short protein forms V411M, V426M, V319M, V323M.
Identifiers: ClinVar variation 1414891 (VCV001414891.6), dbSNP rs542576070, ClinGen allele CA2504329.